The following is an entry in ClinVar:

NM_000368.5(TSC1):c.1808_1811dup (p.Asp605fs)

Gene: TSC1 (TSC complex subunit 1; minus strand). Cytogenetic location: 9q34.13.
Variant type: Duplication.
Coding change: c.1808_1811dup on transcript NM_000368.5 (MANE Select); coding-DNA positions 1808 to 1811, 4 bases duplicated (CGTA; older notation c.1808_1811dupCGTA).
Protein change: p.Asp605fs; shifts the reading frame from aspartic acid 605.
Molecular consequence: frameshift variant.
Genome position (GRCh38, 1-based): chr9:132,905,767-132,905,770, TACG duplicated on the plus strand (CGTA on the coding strand, the reverse complement: TSC1 is on the minus strand). VCF-style (leftmost placement, unchanged base first): chr9-132905766-A-ATACG. GRCh37 (hg19) VCF-style: chr9-135781153-A-ATACG.
Other names: c.1805_1808dup, p.Asp604fs (NM_001162426.2); c.1655_1658dup, p.Asp554fs (NM_001162427.2); c.1445_1448dup, p.Asp484fs (NM_001362177.2); short protein forms D484fs, D554fs, D604fs, D605fs.
Identifiers: ClinVar variation 1202848 (VCV001202848.3), dbSNP rs2131821838, ClinGen allele CA2499219712.

ClinVar aggregate classification (germline): Pathogenic (1 of 4 stars; one submission).

Submission:

GeneDx
Classification: Pathogenic. Last evaluated: 2019-04-02. Review status: criteria provided, single submitter. Criteria: GeneDx Variant Classification Process June 2021. Collection method: clinical testing. Allele origin: germline. Affected: yes.
Comment: Frameshift variant predicted to result in protein truncation or nonsense mediated decay in a gene for which loss-of-function is a known mechanism of disease; Not observed in large population cohorts (Lek et al., 2016); Has not been previously published as pathogenic or benign to our knowledge